The following is an entry in ClinVar:

ClinVar aggregate classification (germline): Uncertain significance (1 of 4 stars; one submission).

Conditions:
Hereditary pancreatitis (PCTT). Also called: PRSS1-Related Hereditary Pancreatitis; Hereditary chronic pancreatitis. Identifiers: Orphanet 676, MedGen C0238339, MONDO:0008185, OMIM 167800.

Submission:

Ambry Genetics
Classification: Uncertain significance for Hereditary pancreatitis. Last evaluated: 2023-07-08. Review status: criteria provided, single submitter. Criteria: Ambry Variant Classification Scheme 2023. Collection method: clinical testing. Allele origin: germline.
Comment: The p.W257C variant (also known as c.771G>C), located in coding exon 7 of the CPA1 gene, results from a G to C substitution at nucleotide position 771. The tryptophan at codon 257 is replaced by cysteine, an amino acid with highly dissimilar properties. This amino acid position is conserved. In addition, this alteration is predicted to be deleterious by in silico analysis. Since supporting evidence is limited at this time, the clinical significance of this alteration remains unclear.

NM_001868.4(CPA1):c.771G>C (p.Trp257Cys)

Gene: CPA1 (carboxypeptidase A1; plus strand). Cytogenetic location: 7q32.2.
Variant type: single nucleotide variant.
Coding change: c.771G>C on transcript NM_001868.4 (MANE Select); coding-DNA position 771, G replaced by C.
Protein change: p.Trp257Cys; replaces tryptophan 257 with cysteine.
Molecular consequence: missense variant.
Genome position (GRCh38, 1-based): chr7:130,384,610, G>C. VCF-style: chr7-130384610-G-C. GRCh37 (hg19) VCF-style: chr7-130024451-G-C.
Other names: short protein forms W257C.
Identifiers: ClinVar variation 2625440 (VCV002625440.2), dbSNP rs2536011019, ClinGen allele CA369283039.
Genomic context (GRCh38, chr7:130,384,610, plus strand): 5'-CAAGACTCGGTCCCACACAGCAGGCTCCCTCTGTATTGGCGTGGACCCCAACAGGAACTG[G>C]GACGCTGGCTTTGGGTGTAAGGCCCAGAGTGTCTTGGGAGCAAGGATGGGATGGCCTCGA-3'
Protein context (NP_001859.1, residues 247-267): LCIGVDPNRN[Trp257Cys]DAGFGLSGAS